The following is an entry in ClinVar:

NM_182548.4(LHFPL5):c.219_223del (p.Ser74fs)

Gene: LHFPL5 (LHFPL tetraspan subfamily member 5; plus strand). Cytogenetic location: 6p21.31.
Variant type: Deletion.
Coding change: c.219_223del on transcript NM_182548.4 (MANE Select); coding-DNA positions 219 to 223, 5 bases deleted (GTCCT; older notation c.219_223delGTCCT).
Protein change: p.Ser74fs; shifts the reading frame from serine 74.
Molecular consequence: frameshift variant.
Genome position (GRCh38, 1-based): chr6:35,805,889-35,805,893, GTCCT deleted; deleting any 5 consecutive bases within chr6:35,805,887-35,805,893 gives the same sequence; the c. name uses the placement nearest the transcript's 3' end. VCF-style (leftmost placement, unchanged base first): chr6-35805886-GCTGTC-G. GRCh37 (hg19) VCF-style: chr6-35773663-GCTGTC-G.
Other names: short protein forms S74fs.
Identifiers: ClinVar variation 3687033 (VCV003687033.2).
Genomic context (GRCh38, chr6:35,805,886, plus strand): 5'-CAGCGTCAACACACCGCAGGCAGGCTACTTCGGCCTTTTCTCCTACTGCGTGGGTAACGT[GCTGTC>G]CTCCGAGCTCATCTGCAAGGGCGGCCCCCTAGACTTCTCCTCCATCCCCTCTAGAGCCTT-3'

ClinVar aggregate classification (germline): Pathogenic (1 of 4 stars; one submission).

Submission:

Labcorp Genetics (formerly Invitae), Labcorp
Classification: Pathogenic. Last evaluated: 2024-02-17. Review status: criteria provided, single submitter. Criteria: Invitae Variant Classification Sherloc (09022015). Collection method: clinical testing. Allele origin: germline.
Comment: This sequence change creates a premature translational stop signal (p.Ser74Argfs*17) in the LHFPL5 gene. It is expected to result in an absent or disrupted protein product. Loss-of-function variants in LHFPL5 are known to be pathogenic (PMID: 15905332, 16459341, 21816241). This variant is not present in population databases (gnomAD no frequency). This variant has not been reported in the literature in individuals affected with LHFPL5-related conditions. For these reasons, this variant has been classified as Pathogenic.

Literature cited by the submitters: PubMed 15905332; PubMed 16459341; PubMed 21816241.